The following is an entry in ClinVar:

ClinVar aggregate classification (germline): Uncertain significance (1 of 4 stars; one submission).

Submission:

Ambry Genetics
Classification: Uncertain significance. Last evaluated: 2026-01-03. Review status: criteria provided, single submitter. Criteria: Ambry Variant Classification Scheme 2023. Collection method: clinical testing. Allele origin: germline.
Comment: The p.A558P variant (also known as c.1672G>C), located in coding exon 13 of the GEN1 gene, results from a G to C substitution at nucleotide position 1672. The alanine at codon 558 is replaced by proline, an amino acid with highly similar properties. This amino acid position is conserved. In addition, this alteration is predicted to be tolerated by in silico analysis. Based on the available evidence, the clinical significance of this variant remains unclear.

NM_001130009.3(GEN1):c.1672G>C (p.Ala558Pro)

Gene: GEN1 (GEN1 structure-specific endonuclease; plus strand). Cytogenetic location: 2p24.2.
Variant type: single nucleotide variant.
Coding change: c.1672G>C on transcript NM_001130009.3 (MANE Select); coding-DNA position 1672, G replaced by C.
Protein change: p.Ala558Pro; replaces alanine 558 with proline.
Molecular consequence: missense variant.
Genome position (GRCh38, 1-based): chr2:17,780,884, G>C. VCF-style: chr2-17780884-G-C. GRCh37 (hg19) VCF-style: chr2-17962151-G-C.
Other names: c.1672G>C, p.Ala558Pro (NM_182625.5); short protein forms A558P.
Identifiers: ClinVar variation 4671532 (VCV004671532.2).
Genomic context (GRCh38, chr2:17,780,884, plus strand): 5'-TTGAATGCACAAGAACAGTTCATGTCTTCTCTAAGACCTTTGGCTATACAGCAAATTAAA[G>C]CTGTCAGTAAGTCTCTAATTTCAGAATCTAGTCAACCCAATACCTCATCTCATAATATAT-3'
Protein context (NP_001123481.3, residues 548-568): LRPLAIQQIK[Ala558Pro]VSKSLISESS